The following is an entry in ClinVar:

ClinVar aggregate classification (germline): Conflicting classifications of pathogenicity. Review status: criteria provided, conflicting classifications (1 of 4 stars). 4 submissions from 4 submitters: Uncertain significance (1); Likely benign (2). 1 of the submissions does not count toward it. Last evaluated 2026-06-22.

Conditions:
ADCY5-related disorder. Also called: ADCY5-related condition.

Allele frequency attached by ClinVar (database versions not stated): 1000 Genomes Project 0.00040; TOPMed 0.00049; ESP Exome Variant Server 0.00054; gnomAD 0.00075 and 0.00076; 1000 Genomes Project 30x 0.00078; gnomAD exomes 0.00093 and 0.00106; ExAC 0.00140.
gnomAD v4.1: 1,496 of 1,613,864 alleles (0.093%); highest among the groups gnomAD compares: South Asian, 0.2%; 5 homozygotes.

Submissions (4):

GeneDx
Classification: Uncertain significance. Last evaluated: 2026-06-22. Review status: criteria provided, single submitter. Criteria: GeneDx Variant Classification Process June 2021. Collection method: clinical testing. Allele origin: germline.
Comment: In silico analysis suggests that this missense variant does not alter protein structure/function; Has not been previously published as pathogenic or benign to our knowledge

Labcorp Genetics (formerly Invitae), Labcorp
Classification: Likely benign. Last evaluated: 2025-12-03. Review status: criteria provided, single submitter. Criteria: Invitae Variant Classification Sherloc (09022015). Collection method: clinical testing. Allele origin: germline.

CeGaT Center for Human Genetics Tuebingen
Classification: Likely benign. Last evaluated: 2025-09-01. Review status: criteria provided, single submitter. Criteria: CeGaT Center For Human Genetics Tuebingen Variant Classification Criteria Version 2. Collection method: clinical testing. Allele origin: germline. Affected: yes. Observed: 2 variant alleles.
Comment: ADCY5: BS2

PreventionGenetics, part of Exact Sciences
Classification: Likely benign for ADCY5-related condition. Last evaluated: 2019-12-03. Review status: no assertion criteria provided. Collection method: clinical testing. Allele origin: germline. Not counted in ClinVar's aggregate classification.
Comment: This variant is classified as likely benign based on ACMG/AMP sequence variant interpretation guidelines (Richards et al. 2015 PMID: 25741868, with internal and published modifications).

NM_183357.3(ADCY5):c.2818G>A (p.Glu940Lys)

Gene: ADCY5 (adenylate cyclase 5; minus strand). Cytogenetic location: 3q21.1.
Variant type: single nucleotide variant.
Coding change: c.2818G>A on transcript NM_183357.3 (MANE Select); coding-DNA position 2818, G replaced by A.
Protein change: p.Glu940Lys; replaces glutamic acid 940 with lysine.
Molecular consequence: missense variant.
Genome position (GRCh38, 1-based): chr3:123,300,202, C>T on the plus strand (G>A on the coding strand, the complement: ADCY5 is on the minus strand). VCF-style: chr3-123300202-C-T. GRCh37 (hg19) VCF-style: chr3-123019049-C-T.
Other names: c.1768G>A, p.Glu590Lys (NM_001199642.1); c.2818G>A, p.Glu940Lys (NM_001378259.1); c.2818G>A (NM_183357.2); short protein forms E590K, E940K.
Identifiers: ClinVar variation 1105259 (VCV001105259.41), dbSNP rs113442895, ClinGen allele CA2576982.